The following is an entry in ClinVar:

NM_152703.5(SAMD9L):c.4430A>G (p.Tyr1477Cys)

Gene: SAMD9L (sterile alpha motif domain containing 9 like; minus strand). Cytogenetic location: 7q21.2.
Variant type: single nucleotide variant.
Coding change: c.4430A>G on transcript NM_152703.5 (MANE Select); coding-DNA position 4430, A replaced by G.
Protein change: p.Tyr1477Cys; replaces tyrosine 1477 with cysteine.
Molecular consequence: missense variant.
Genome position (GRCh38, 1-based): chr7:93,131,542, T>C on the plus strand (A>G on the coding strand, the complement: SAMD9L is on the minus strand). VCF-style: chr7-93131542-T-C. GRCh37 (hg19) VCF-style: chr7-92760855-T-C.
Other names: c.4430A>G, p.Tyr1477Cys (NM_001303496.3, NM_001303497.3, NM_001303498.3 and 5 more transcripts); short protein forms Y1477C.
Identifiers: ClinVar variation 2795567 (VCV002795567.3), dbSNP rs1210783977, ClinGen allele CA368173679.

ClinVar aggregate classification (germline): Uncertain significance (1 of 4 stars; one submission).

Submission:

Labcorp Genetics (formerly Invitae), Labcorp
Classification: Uncertain significance. Last evaluated: 2023-10-05. Review status: criteria provided, single submitter. Criteria: Invitae Variant Classification Sherloc (09022015). Collection method: clinical testing. Allele origin: germline.
Comment: This sequence change replaces tyrosine, which is neutral and polar, with cysteine, which is neutral and slightly polar, at codon 1477 of the SAMD9L protein (p.Tyr1477Cys). This variant is not present in population databases (gnomAD no frequency). This variant has not been reported in the literature in individuals affected with SAMD9L-related conditions. Advanced modeling of protein sequence and biophysical properties (such as structural, functional, and spatial information, amino acid conservation, physicochemical variation, residue mobility, and thermodynamic stability) has been performed at Invitae for this missense variant, however the output from this modeling did not meet the statistical confidence thresholds required to predict the impact of this variant on SAMD9L protein function. In summary, the available evidence is currently insufficient to determine the role of this variant in disease. Therefore, it has been classified as a Variant of Uncertain Significance.